The following is an entry in ClinVar:

ClinVar aggregate classification (germline): Conflicting classifications of pathogenicity. Review status: criteria provided, conflicting classifications (1 of 4 stars). 3 submissions from 3 submitters: Pathogenic (1); Likely pathogenic (1); Uncertain significance (1). Last evaluated 2025-04-27.

Conditions:
Neuromuscular disease. Also called: Neuromyopathy; Neuromuscular disorder. Identifiers: Orphanet 68381, MedGen C0027868, MeSH D009468, MONDO:0019056.
Primary dilated cardiomyopathy (DCM). Also called: Dilated Cardiomyopathy. Identifiers: Orphanet 217604, MedGen C0007193, MeSH D002311, MONDO:0005021, HP:0001644. Inheritance: Various modes of inheritance.
Cardiovascular phenotype. Identifiers: MedGen CN230736.
Desmin-related myofibrillar myopathy (MFM1). Also called: Desminopathy; Desmin related myopathy (former name); Desmin storage myopathy (former name); MYOFIBRILLAR MYOPATHY WITH ARRHYTHMOGENIC RIGHT VENTRICULAR CARDIOMYOPATHY; DESMIN-RELATED MYOPATHY WITH ARRHYTHMOGENIC RIGHT VENTRICULAR CARDIOMYOPATHY; Myofibrillar myopathy 1. Identifiers: Orphanet 363543, Orphanet 98909, MedGen C1832370, MONDO:0011076, OMIM 601419.

Allele frequency attached by ClinVar (database versions not stated): gnomAD exomes below 0.00001; TOPMed below 0.00001; gnomAD 0.00001.

Submissions (3):

Labcorp Genetics (formerly Invitae), Labcorp
Classification: Pathogenic for Desmin-related myofibrillar myopathy. Last evaluated: 2025-04-27. Review status: criteria provided, single submitter. Criteria: Invitae Variant Classification Sherloc (09022015). Collection method: clinical testing. Allele origin: germline.
Comment: This sequence change creates a premature translational stop signal (p.Lys201Argfs*20) in the DES gene. It is expected to result in an absent or disrupted protein product. Loss-of-function variants in DES are known to be pathogenic (PMID: 23575897). This variant is not present in population databases (gnomAD no frequency). This premature translational stop signal has been observed in individual(s) with clinical features of autosomal recessive DES-related conditions (PMID: 23815709). ClinVar contains an entry for this variant (Variation ID: 178660). For these reasons, this variant has been classified as Pathogenic.

Ambry Genetics
Classification: Uncertain significance for Cardiovascular phenotype. Last evaluated: 2025-02-28. Review status: criteria provided, single submitter. Criteria: Ambry Variant Classification Scheme 2023. Collection method: clinical testing. Allele origin: germline.
Comment: The c.600delG variant, located in coding exon 2 of the DES gene, results from a deletion of one nucleotide at nucleotide position 600, causing a translational frameshift with a predicted alternate stop codon (p.K201Rfs*20). This alteration has been detected in trans with another truncating DES variant in siblings with profound, childhood-onset skeletal myopathy, respiratory dysfunction, and dilated cardiomyopathy (McLaughlin HM et al. BMC Med Genet, 2013 Jul;14:68). Although biallelic loss of function alterations in DES have been associated with autosomal recessive DES-related myofibrillar myopathy, haploinsufficiency for DES has not been clearly established as a mechanism of disease for autosomal dominant DES-related myopathy. Based on the supporting evidence, this variant is expected to be causative of autosomal recessive DES-related myofibrillar myopathy when present along with a second pathogenic variant on the other allele; however, its clinical significance for autosomal dominant DES-related myopathy is unclear.

Laboratory for Molecular Medicine, Mass General Brigham Personalized Medicine
Classification: Likely pathogenic for Primary dilated cardiomyopathy; Neuromuscular disease. Last evaluated: 2012-10-05. Review status: criteria provided, single submitter. Criteria: LMM Criteria. Collection method: clinical testing. Allele origin: germline. Inheritance: Autosomal recessive inheritance. Observed: 3 variant alleles.
Comment: The Lys201fs variant in DES has not been previously reported in the literature b ut has been identified by our laboratory in 1 family, where it was present in tr ans with a second DES variant (nonsense) in 2 individuals with features consiste nt with a desminopathy. Each unaffected parent carried 1 of the variants, sugge stive of recessive inheritance. This frameshift variant is predicted to alter th e protein?s amino acid sequence beginning at position 201 and lead to a prematur e termination codon 20 amino acids downstream. This alteration is then predicted to lead to a truncated or absent protein. The spectrum of reported DES variants includes several similar variants (nonsense, splice, frameshift; Park 2000, Sch roeder 2003, Dunand 2009, Hong 2011, Wahbi 2011). One of these variants (Dunand 2009) showed clear autosomal dominant inheritance but this could not be conclus ively established for other variants. In summary, this variant is likely to be p athogenic though studies in 1 family suggest that it may not result in disease w hen present in isolation.

Literature cited by the submitters: PubMed 23575897 (cited by Labcorp Genetics (formerly Invitae), Labcorp); PubMed 23815709 (cited by Labcorp Genetics (formerly Invitae), Labcorp and Ambry Genetics); PubMed 12620971 (cited by Laboratory for Molecular Medicine, Mass General Brigham Personalized Medicine); PubMed 11073539 (cited by Laboratory for Molecular Medicine, Mass General Brigham Personalized Medicine); PubMed 19716701 (cited by Laboratory for Molecular Medicine, Mass General Brigham Personalized Medicine); PubMed 20696008 (cited by Laboratory for Molecular Medicine, Mass General Brigham Personalized Medicine); PubMed 22153487 (cited by Laboratory for Molecular Medicine, Mass General Brigham Personalized Medicine).

NM_001927.4(DES):c.600del (p.Lys201fs)

Gene: DES (desmin; plus strand). Cytogenetic location: 2q35.
Variant type: Deletion.
Coding change: c.600del on transcript NM_001927.4 (MANE Select); coding-DNA position 600, one base deleted (G; older notation c.600delG).
Protein change: p.Lys201fs; shifts the reading frame from lysine 201.
Molecular consequence: frameshift variant.
Genome position (GRCh38, 1-based): chr2:219,420,116, G deleted. VCF-style (leftmost placement, unchanged base first): chr2-219420115-TG-T. GRCh37 (hg19) VCF-style: chr2-220284837-TG-T.
Other names: c.600delG (NM_001927.3); c.600del (LRG_380t1); short protein forms K201fs.
Identifiers: ClinVar variation 178660 (VCV000178660.12), dbSNP rs727504448, ClinGen allele CA273550.
Genomic context (GRCh38, chr2:219,420,115, plus strand): 5'-ATCACCCGCAACTGTCTGTCTTTCTGTCTGTCCCACCCAGGCTGCAGGAGGAGATTCAGT[TG>T]AAGGAAGAAGCAGAGAACAATTTGGCTGCCTTCCGAGCGGTGAGTGCCCTTCTTTTCCCC-3'